The following is an entry in ClinVar:

NM_005921.2(MAP3K1):c.1970C>G (p.Thr657Arg)

Gene: MAP3K1 (mitogen-activated protein kinase kinase kinase 1; plus strand). Cytogenetic location: 5q11.2.
Variant type: single nucleotide variant.
Coding change: c.1970C>G on transcript NM_005921.2 (MANE Select); coding-DNA position 1970, C replaced by G.
Protein change: p.Thr657Arg; replaces threonine 657 with arginine.
Molecular consequence: missense variant.
Genome position (GRCh38, 1-based): chr5:56,878,984, C>G. VCF-style: chr5-56878984-C-G. GRCh37 (hg19) VCF-style: chr5-56174811-C-G.
Other names: short protein forms T657R.
Identifiers: ClinVar variation 652027 (VCV000652027.8), dbSNP rs1579775153, ClinGen allele CA359782483.
Genomic context (GRCh38, chr5:56,878,984, plus strand): 5'-TTATCTCTGATGCTTTTTAAGTGTACATAAACTGACCTTCAGATTTTTTTCCTTAGAAAA[C>G]ATTGAGAGCCATGCTGGTATATACTCCTTGCCACAGTTTAGCGGAAAGAATCAAACTTCA-3'
Protein context (NP_005912.1, residues 647-667): VYKVYVAALK[Thr657Arg]LRAMLVYTPC

ClinVar aggregate classification (germline): Uncertain significance (1 of 4 stars; one submission).

Conditions:
46,XY sex reversal 6. Also called: 46,XY SEX REVERSAL, PARTIAL OR COMPLETE, MAP3K1-RELATED; 46,XY GONADAL DYSGENESIS, PARTIAL OR COMPLETE, MAP3K1-RELATED. Identifiers: MedGen C3151064, MONDO:0013410, OMIM 613762.

Submission:

Labcorp Genetics (formerly Invitae), Labcorp
Classification: Uncertain significance for 46,XY sex reversal 6. Last evaluated: 2018-11-12. Review status: criteria provided, single submitter. Criteria: Invitae Variant Classification Sherloc (09022015). Collection method: clinical testing. Allele origin: germline.
Comment: Algorithms developed to predict the effect of missense changes on protein structure and function (SIFT, PolyPhen-2, Align-GVGD) all suggest that this variant is likely to be disruptive, but these predictions have not been confirmed by published functional studies and their clinical significance is uncertain. In summary, the available evidence is currently insufficient to determine the role of this variant in disease. Therefore, it has been classified as a Variant of Uncertain Significance. This variant has not been reported in the literature in individuals with MAP3K1-related disease. This variant is not present in population databases (ExAC no frequency). This sequence change replaces threonine with arginine at codon 657 of the MAP3K1 protein (p.Thr657Arg). The threonine residue is highly conserved and there is a moderate physicochemical difference between threonine and arginine.